The following is an entry in ClinVar:

NM_144997.7(FLCN):c.875T>C (p.Leu292Ser)

Gene: FLCN (folliculin; minus strand). Cytogenetic location: 17p11.2.
Variant type: single nucleotide variant.
Coding change: c.875T>C on transcript NM_144997.7 (MANE Select); coding-DNA position 875, T replaced by C.
Protein change: p.Leu292Ser; replaces leucine 292 with serine.
Molecular consequence: missense variant.
Genome position (GRCh38, 1-based): chr17:17,219,206, A>G on the plus strand (T>C on the coding strand, the complement: FLCN is on the minus strand). VCF-style: chr17-17219206-A-G. GRCh37 (hg19) VCF-style: chr17-17122520-A-G.
Other names: c.929T>C, p.Leu310Ser (NM_001353229.2); c.875T>C, p.Leu292Ser (NM_001353230.2, NM_001353231.2); short protein forms L310S, L292S.
Identifiers: ClinVar variation 4824719 (VCV004824719.1).
Genomic context (GRCh38, chr17:17,219,206, plus strand): 5'-ACAGGGGCTTTCTCCTCCTCTTCAGCCTCAGAGTTGTCCCAGCTTTCTGATTCCTCTTCT[A>G]AATCTGCAAGACAGATGACAAGGACAGTTACAGATACAAACAGTCTCATCCTGTGACTTC-3'
Protein context (NP_659434.2, residues 282-302): TLVQMEKLAD[Leu292Ser]EEESESWDNS

ClinVar aggregate classification (germline): Uncertain significance (1 of 4 stars; one submission).

Conditions:
Hereditary cancer-predisposing syndrome. Also called: Neoplastic Syndromes, Hereditary; Hereditary neoplastic syndrome; Tumor predisposition; Hereditary Cancer Syndrome. Identifiers: Orphanet 140162, MedGen C0027672, MeSH D009386, MONDO:0015356.

Submission:

Ambry Genetics
Classification: Uncertain significance for Hereditary cancer-predisposing syndrome. Last evaluated: 2026-02-09. Review status: criteria provided, single submitter. Criteria: Ambry Variant Classification Scheme 2023. Collection method: clinical testing. Allele origin: germline.
Comment: The p.L292S variant (also known as c.875T>C), located in coding exon 6 of the FLCN gene, results from a T to C substitution at nucleotide position 875. The leucine at codon 292 is replaced by serine, an amino acid with dissimilar properties. This amino acid position is highly conserved in available vertebrate species. In addition, this alteration is predicted to be deleterious by in silico analysis. Based on the available evidence, the clinical significance of this variant remains unclear.